The following is an entry in ClinVar:

NM_006231.4(POLE):c.5636G>A (p.Arg1879His)

Gene: POLE (DNA polymerase epsilon, catalytic subunit; minus strand). Cytogenetic location: 12q24.33.
Variant type: single nucleotide variant.
Coding change: c.5636G>A on transcript NM_006231.4 (MANE Select); coding-DNA position 5636, G replaced by A.
Protein change: p.Arg1879His; replaces arginine 1879 with histidine.
Molecular consequence: missense variant.
Genome position (GRCh38, 1-based): chr12:132,638,056, C>T on the plus strand (G>A on the coding strand, the complement: POLE is on the minus strand). VCF-style: chr12-132638056-C-T. GRCh37 (hg19) VCF-style: chr12-133214642-C-T.
Other names: short protein forms R1879H.
Identifiers: ClinVar variation 403332 (VCV000403332.26), dbSNP rs145621558, ClinGen allele CA6892454.
Genomic context (GRCh38, chr12:132,638,056, plus strand): 5'-AGGACCAGCCAGCCGCACCTGCTGGTGATGTACTCCACGTAAGCGATGGCATCTTCCACA[C>T]GGCGCTTCTTTGTACAGAGGATGATGCGGTTGAAGTTGGCGTAGATGACTGATGACCCCA-3'
Protein context (NP_006222.2, residues 1869-1889): NRIILCTKKR[Arg1879His]VEDAIAYVEY

ClinVar aggregate classification (germline): Conflicting classifications of pathogenicity. Review status: criteria provided, conflicting classifications (1 of 4 stars). 10 submissions from 10 submitters: Uncertain significance (7); Benign (1); Likely benign (2). Last evaluated 2026-05-29.

Conditions:
Polymerase proofreading-related adenomatous polyposis. Also called: Polymerase proofreading associated polyposis; Polymerase proofreading–associated polyposis (PPAP). Identifiers: Orphanet 447877, MedGen C5202613, MONDO:0018653.
Familial colorectal cancer type X. Identifiers: Orphanet 440437, MedGen C3896578, MONDO:0018604.
POLE-related disorder. Also called: POLE-related disorders; POLE-related condition.
Intrauterine growth retardation, metaphyseal dysplasia, adrenal hypoplasia congenita, genital anomalies, and immunodeficiency. Also called: IMAGEI SYNDROME. Identifiers: MedGen C5193036, MONDO:0032684, OMIM 618336.
Hereditary cancer-predisposing syndrome. Also called: Neoplastic Syndromes, Hereditary; Tumor predisposition; Hereditary Cancer Syndrome; Hereditary neoplastic syndrome. Identifiers: Orphanet 140162, MedGen C0027672, MeSH D009386, MONDO:0015356.
Colorectal cancer, susceptibility to, 12 (CRCS12). Also called: COLORECTAL CANCER, SUSCEPTIBILITY TO, ON CHROMOSOME 12q24. Identifiers: Orphanet 220460, MedGen C3554460, MONDO:0014038, OMIM 615083.

Allele frequency attached by ClinVar (database versions not stated): gnomAD exomes 0.00009; ExAC 0.00012; gnomAD 0.00018; TOPMed 0.00019; ESP Exome Variant Server 0.00023; 1000 Genomes Project 30x 0.00094; 1000 Genomes Project 0.00100.
gnomAD v4.1: 69 of 1,614,062 alleles (0.0043%); highest among the groups gnomAD compares: African/African-American, 0.072%; no homozygotes.

Submissions (10):

Women's Health and Genetics/Laboratory Corporation of America, LabCorp
Classification: Uncertain significance. Last evaluated: 2026-05-29. Review status: criteria provided, single submitter. Criteria: LabCorp Variant Classification Summary - May 2015. Collection method: clinical testing. Allele origin: germline.
Comment: Variant summary: POLE c.5636G>A (p.Arg1879His) results in a non-conservative amino acid change in the encoded protein sequence. Algorithms developed to predict the effect of missense changes on protein structure and function are either unavailable or do not agree on the potential impact of this missense change. The variant allele was found at a frequency of 8.7e-05 in 251456 control chromosomes. This frequency is not significantly higher than estimated for disease-causing variants in POLE, allowing no conclusion about variant significance. c.5636G>A has been observed in individual(s) with a personal or family history of pancreatic adenocarcinoma or breast cancer (Rodrigues_2024, de Oliveira_2022). These report(s) do not provide unequivocal conclusions about association of the variant with disease. To our knowledge, no experimental evidence demonstrating an impact on protein function has been reported. The following publications have been ascertained in the context of this evaluation (PMID: 39256447, 35534704). ClinVar contains an entry for this variant (Variation ID: 403332). Based on the evidence outlined above, the variant was classified as uncertain significance.

Labcorp Genetics (formerly Invitae), Labcorp
Classification: Likely benign. Last evaluated: 2026-01-27. Review status: criteria provided, single submitter. Criteria: Invitae Variant Classification Sherloc (09022015). Collection method: clinical testing. Allele origin: germline.

PreventionGenetics, part of Exact Sciences
Classification: Uncertain significance for POLE-related condition. Last evaluated: 2025-01-15. Review status: criteria provided, single submitter. Criteria: ACMG Guidelines, 2015. Collection method: clinical testing. Allele origin: germline.
Comment: The POLE c.5636G>A variant is predicted to result in the amino acid substitution p.Arg1879His. To our knowledge, this variant has not been reported in the literature. This variant is reported in 0.10% of alleles in individuals of African descent in gnomAD and has conflicting interpretations of pathogenicity in ClinVar ranging from likely benign to uncertain. Although we suspect that this variant may be benign, at this time, the clinical significance of this variant is uncertain due to the absence of conclusive functional and genetic evidence.

St. Jude Molecular Pathology, St. Jude Children's Research Hospital
Classification: Uncertain significance for Colorectal cancer, susceptibility to, 12. Last evaluated: 2024-06-28. Review status: criteria provided, single submitter. Criteria: St. Jude Assertion Criteria 2020. Collection method: clinical testing. Allele origin: germline.

Ambry Genetics
Classification: Benign for Hereditary cancer-predisposing syndrome. Last evaluated: 2024-02-28. Review status: criteria provided, single submitter. Criteria: Ambry Variant Classification Scheme 2023. Collection method: clinical testing. Allele origin: germline.

Department of Pathology and Laboratory Medicine, Sinai Health System
Classification: Uncertain significance for Polymerase proofreading-related adenomatous polyposis; Familial colorectal cancer type X. Last evaluated: 2023-08-28. Review status: criteria provided, single submitter. Criteria: ACMG Guidelines, 2015. Collection method: clinical testing. Allele origin: germline. Affected: yes.

Baylor Genetics
Classification: Uncertain significance for Intrauterine growth retardation, metaphyseal dysplasia, adrenal hypoplasia congenita, genital anomalies, and immunodeficiency. Last evaluated: 2021-05-25. Review status: criteria provided, single submitter. Criteria: ACMG Guidelines, 2015. Collection method: clinical testing. Allele origin: unknown. Affected: yes. Study: CSER-TexasKidsCanSeq.
Comment: This variant was determined to be of uncertain significance according to ACMG Guidelines, 2015 [PMID:25741868].

Sema4
Classification: Likely benign for Hereditary cancer-predisposing syndrome. Last evaluated: 2020-12-31. Review status: criteria provided, single submitter. Criteria: Sema4 Curation Guidelines. Collection method: curation. Allele origin: germline.

Laboratory for Molecular Medicine, Mass General Brigham Personalized Medicine
Classification: Uncertain significance. Last evaluated: 2016-10-13. Review status: criteria provided, single submitter. Criteria: LMM Criteria. Collection method: clinical testing. Allele origin: germline.
Comment: Variant identified in a genome or exome case(s) and assessed due to predicted null impact of the variant or pathogenic assertions in the literature or databases. Disclaimer: This variant has not undergone full assessment. The following are preliminary notes: Variant not in HGMD or ClinVar. MaxMAF is 0.11% AA not conserved in mammals - His seen in 6 non-mammals.

GeneDx
Classification: Uncertain significance. Last evaluated: 2016-04-04. Review status: criteria provided, single submitter. Criteria: GeneDx Variant Classification (06012015). Collection method: clinical testing. Allele origin: germline. Affected: yes.
Comment: This variant is denoted POLE c.5636G>A at the cDNA level, p.Arg1879His (R1879H) at the protein level, and results in the change of an Arginine to a Histidine (CGT>CAT). This variant has not, to our knowledge, been published in the literature as pathogenic or benign. POLE Arg1879His was observed with an allele frequency of 0.4% (5/1322) in the African populations in 1000 Genomes. Since Arginine and Histidine share similar properties, this is considered a conservative amino acid substitution. POLE Arg1879His occurs at a position where amino acids with properties similar to Arginine are tolerated across species and is not located in a known functional domain (Preston 2010). In silico analyses are inconsistent regarding the effect this variant may have on protein structure and function. Based on currently available evidence, it is unclear whether POLE Arg1879His is a pathogenic or benign variant. We consider it to be a variant of uncertain significance.

Literature cited by the submitters: PubMed 35534704 (cited by Women's Health and Genetics/Laboratory Corporation of America, LabCorp); PubMed 39256447 (cited by Women's Health and Genetics/Laboratory Corporation of America, LabCorp).